The following is an entry in ClinVar:

ClinVar aggregate classification (germline): Pathogenic (1 of 4 stars; one submission).

Conditions:
Osteogenesis imperfecta type I (OI1). Also called: Lobstein disease; Classic Non-deforming Osteogenesis Imperfecta with Blue Sclerae; OI, TYPE I; OSTEOGENESIS IMPERFECTA TARDA; OSTEOGENESIS IMPERFECTA WITH BLUE SCLERAE; Osteogenesis imperfecta type 1. Identifiers: Orphanet 216796, Orphanet 666, MedGen C0023931, MONDO:0008146, OMIM 166200. Disease mechanism: loss of function.

Submission:

Labcorp Genetics (formerly Invitae), Labcorp
Classification: Pathogenic for Osteogenesis imperfecta type I. Last evaluated: 2021-10-31. Review status: criteria provided, single submitter. Criteria: Invitae Variant Classification Sherloc (09022015). Collection method: clinical testing. Allele origin: germline.
Comment: For these reasons, this variant has been classified as Pathogenic. This variant has not been reported in the literature in individuals affected with COL1A1-related conditions. This variant is not present in population databases (gnomAD no frequency). This sequence change creates a premature translational stop signal (p.Val5Glyfs*9) in the COL1A1 gene. It is expected to result in an absent or disrupted protein product. Loss-of-function variants in COL1A1 are known to be pathogenic (PMID: 7942841, 9295084, 9443882).

Literature cited by the submitters: PubMed 7942841; PubMed 9295084; PubMed 9443882.

NM_000088.4(COL1A1):c.14del (p.Val5fs)

Gene: COL1A1 (collagen type I alpha 1 chain; minus strand). Cytogenetic location: 17q21.33.
Variant type: Deletion.
Coding change: c.14del on transcript NM_000088.4 (MANE Select); coding-DNA position 14, one base deleted (T; older notation c.14delT).
Protein change: p.Val5fs; shifts the reading frame from valine 5.
Molecular consequence: frameshift variant.
Genome position (GRCh38, 1-based): chr17:50,201,500, A deleted on the plus strand (T on the coding strand, the reverse complement: COL1A1 is on the minus strand). VCF-style (leftmost placement, unchanged base first): chr17-50201499-CA-C. GRCh37 (hg19) VCF-style: chr17-48278860-CA-C.
Other names: short protein forms V5fs.
Identifiers: ClinVar variation 1457280 (VCV001457280.6), dbSNP rs2144600691, ClinGen allele CA2573154184.